The following is an entry in ClinVar:

ClinVar aggregate classification (germline): Uncertain significance (1 of 4 stars; one submission).

gnomAD v4.1: 2 of 1,613,660 alleles (0.00012%); no homozygotes.

Submission:

Labcorp Genetics (formerly Invitae), Labcorp
Classification: Uncertain significance. Last evaluated: 2021-05-03. Review status: criteria provided, single submitter. Criteria: Invitae Variant Classification Sherloc (09022015). Collection method: clinical testing. Allele origin: germline.
Comment: In summary, the available evidence is currently insufficient to determine the role of this variant in disease. Therefore, it has been classified as a Variant of Uncertain Significance. Advanced modeling of protein sequence and biophysical properties (such as structural, functional, and spatial information, amino acid conservation, physicochemical variation, residue mobility, and thermodynamic stability) performed at Invitae indicates that this missense variant is not expected to disrupt CSF1R protein function. This variant has not been reported in the literature in individuals with CSF1R-related conditions. This variant is not present in population databases (ExAC no frequency). This sequence change replaces alanine with threonine at codon 444 of the CSF1R protein (p.Ala444Thr). The alanine residue is moderately conserved and there is a small physicochemical difference between alanine and threonine.

NM_001288705.3(CSF1R):c.1330G>A (p.Ala444Thr)

Gene: CSF1R (colony stimulating factor 1 receptor; minus strand). Cytogenetic location: 5q32.
Variant type: single nucleotide variant.
Coding change: c.1330G>A on transcript NM_001288705.3 (MANE Select); coding-DNA position 1330, G replaced by A.
Protein change: p.Ala444Thr; replaces alanine 444 with threonine.
Molecular consequence: missense variant. On other transcripts: non-coding transcript variant (2).
Genome position (GRCh38, 1-based): chr5:150,070,053, C>T on the plus strand (G>A on the coding strand, the complement: CSF1R is on the minus strand). VCF-style: chr5-150070053-C-T. GRCh37 (hg19) VCF-style: chr5-149449616-C-T.
Other names: c.1330G>A, p.Ala444Thr (NM_001349736.2, NM_001375320.1, NM_005211.4); c.886G>A, p.Ala296Thr (NM_001375321.1); short protein forms A296T, A444T.
Identifiers: ClinVar variation 1469305 (VCV001469305.8), dbSNP rs2113808537, ClinGen allele CA361720897.